The following is an entry in ClinVar:

NM_000489.6(ATRX):c.6532C>T (p.Arg2178Trp)

Gene: ATRX (ATRX chromatin remodeler; minus strand). Cytogenetic location: Xq21.1.
Variant type: single nucleotide variant.
Coding change: c.6532C>T on transcript NM_000489.6 (MANE Select); coding-DNA position 6532, C replaced by T.
Protein change: p.Arg2178Trp; replaces arginine 2178 with tryptophan.
Molecular consequence: missense variant.
Genome position (GRCh38, 1-based): chrX:77,557,618, G>A on the plus strand (C>T on the coding strand, the complement: ATRX is on the minus strand). VCF-style: chrX-77557618-G-A. GRCh37 (hg19) VCF-style: chrX-76813089-G-A.
Other names: c.6418C>T, p.Arg2140Trp (NM_138270.5); c.6532C>T (NM_000489.5); short protein forms R2178W, R2140W.
Identifiers: ClinVar variation 372309 (VCV000372309.13), dbSNP rs1057517707, ClinGen allele CA16043291.

ClinVar aggregate classification (germline): Pathogenic/Likely pathogenic. Review status: criteria provided, multiple submitters, no conflicts (2 of 4 stars). 7 submissions from 7 submitters: Pathogenic (4); Likely pathogenic (3). Last evaluated 2026-05-10.

Conditions:
Intellectual disability-hypotonic facies syndrome, X-linked, 1 (MRXHF1). Also called: HOLMES-GANG SYNDROME; XLMR-HYPOTONIC FACIES SYNDROME; Carpenter-Waziri syndrome; CHUDLEY-LOWRY SYNDROME; Chudley syndrome 1; Chudley-Lowry-Hoar syndrome. Identifiers: Orphanet 73220, Orphanet 93970, Orphanet 93971, Orphanet 93972, Orphanet 93973, Orphanet 93974, Orphanet 93975, MedGen C4759781, MONDO:0010663, OMIM 309580.
Alpha thalassemia-X-linked intellectual disability syndrome (ATRX). Also called: ATR, NONDELETION TYPE; X-linked alpha-thalassemia-mental retardation syndrome; ALPHA-THALASSEMIA/IMPAIRED INTELLECTUAL DEVELOPMENT SYNDROME, X-LINKED; ALPHA-THALASSEMIA/MENTAL RETARDATION SYNDROME, X-LINKED; ATR-X syndrome; Alpha thalassemia mental retardation syndrome, nondeletion type, X-linked. Identifiers: Orphanet 847, MedGen C1845055, MONDO:0010519, OMIM 301040.

Submissions (7):

Zero Childhood Cancer Program, Children's Cancer Institute
Classification: Likely pathogenic for Alpha thalassemia-X-linked intellectual disability syndrome. Last evaluated: 2026-05-10. Review status: criteria provided, single submitter. Criteria: Zero Childhood Cancer Program Assertion Criteria November2025. Collection method: research. Allele origin: germline. Inheritance: X-linked inheritance. Affected: no.
Comment: The c.6532C>T (p.Arg2178Trp) missense variant is located in exon 30 of 35 of ATRX. This variant is absent in gnomAD v4 (PM2_Supporting). The REVEL computational prediction analysis tool produced a score of 0.9, which is above the threshold necessary to apply PP3 (PP3_Moderate). There is a ClinVar entry for this variant (VCV000372309.12, 2 star review status) with six submitters classifying the variant as pathogenic/likely pathogenic. This variant has been observed in several individuals with alpha-thalassemia X-linked intellectual disability (ATR-X) syndrome, including a child who developed osteosarcoma of the femur with pulmonary nodules (PMID: 16125058, 25936994, 16813605, 29706636) (PS4). For these reasons, this variant has been classified as Likely Pathogenic.

Institute of Human Genetics, University of Leipzig Medical Center
Classification: Likely pathogenic for Intellectual disability-hypotonic facies syndrome, X-linked, 1. Last evaluated: 2025-11-26. Review status: criteria provided, single submitter. Criteria: ACMG Guidelines, 2015. Collection method: clinical testing. Allele origin: unknown. Inheritance: X-linked recessive inheritance. Affected: yes.
Comment: Criteria applied: PS4_MOD,PM2,PP2,PP3

Clinical Genetics Laboratory, Skane University Hospital Lund
Classification: Pathogenic. Last evaluated: 2023-12-07. Review status: criteria provided, single submitter. Criteria: ACMG Guidelines, 2015. Collection method: clinical testing. Allele origin: germline. Affected: yes.

Labcorp Genetics (formerly Invitae), Labcorp
Classification: Likely pathogenic for Alpha thalassemia-X-linked intellectual disability syndrome. Last evaluated: 2023-11-15. Review status: criteria provided, single submitter. Criteria: Invitae Variant Classification Sherloc (09022015). Collection method: clinical testing. Allele origin: germline.
Comment: This sequence change replaces arginine, which is basic and polar, with tryptophan, which is neutral and slightly polar, at codon 2178 of the ATRX protein (p.Arg2178Trp). This variant is not present in population databases (gnomAD no frequency). This missense change has been observed in individuals with alpha-thalassemia X-linked intellectual disability syndrome (PMID: 16125058, 25936994). ClinVar contains an entry for this variant (Variation ID: 372309). Advanced modeling of protein sequence and biophysical properties (such as structural, functional, and spatial information, amino acid conservation, physicochemical variation, residue mobility, and thermodynamic stability) performed at Invitae indicates that this missense variant is expected to disrupt ATRX protein function with a positive predictive value of 95%. In summary, the currently available evidence indicates that the variant is pathogenic, but additional data are needed to prove that conclusively. Therefore, this variant has been classified as Likely Pathogenic.

Victorian Clinical Genetics Services, Murdoch Childrens Research Institute
Classification: Pathogenic for Intellectual disability-hypotonic facies syndrome, X-linked, 1. Last evaluated: 2023-07-16. Review status: criteria provided, single submitter. Criteria: ACMG Guidelines, 2015. Collection method: clinical testing. Allele origin: germline. Inheritance: X-linked recessive inheritance. Affected: yes.
Comment: Based on the classification scheme VCGS_Germline_v1.3.4, this variant is classified as Pathogenic. Following criteria are met: 0102 - Loss of function is a known mechanism of disease in this gene and is associated with ATRX-related conditions. (I) 0108 - This gene is associated with both X-linked recessive and dominant disease. Carrier females may be asymptomatic, or affected with alpha-thalassemia syndrome (OMIM). (I) 0115 - Variants in this gene are known to have variable expressivity. Variable severity and phenotypes have been observed among individuals with the same variant (PMID: 24805811, 23820649). (I) 0200 - Variant is predicted to result in a missense amino acid change from arginine to tryptophan. (I) 0253 - This variant is hemizygous. (I) 0301 - Variant is absent from gnomAD (both v2 and v3). (SP) 0501 - Missense variant consistently predicted to be damaging by multiple in silico tools or highly conserved with a major amino acid change. (SP) 0603 - Missense variant in a region that is highly intolerant to missense variation (high constraint region in DECIPHER). (SP) 0801 - This variant has strong previous evidence of pathogenicity in unrelated individuals. This variant has been classified as pathogenic by two clinical laboratories in ClinVar, including one individual where the variant was observed as de novo. This variant has also been observed as hemizygous in several individuals with ATRX-related syndromic intellectual disability (DECIPHER, LOVD, PMIDs: 25936994, 29706636). One of these individuals also developed osteosarcomas (PMID: 29706636). (I) Legend: (SP) - Supporting pathogenic, (I) - Information, (SB) - Supporting benign

GeneDx
Classification: Pathogenic. Last evaluated: 2022-02-14. Review status: criteria provided, single submitter. Criteria: GeneDx Variant Classification Process June 2021. Collection method: clinical testing. Allele origin: germline. Affected: yes.
Comment: Not observed at significant frequency in large population cohorts (gnomAD); In silico analysis supports that this missense variant has a deleterious effect on protein structure/function; This variant is associated with the following publications: (PMID: 18409179, 16125058, 25936994, 16813605, 29706636, 32191290)

3billion
Classification: Pathogenic for Intellectual disability-hypotonic facies syndrome, X-linked, 1. Last evaluated: 2021-10-02. Review status: criteria provided, single submitter. Criteria: ACMG Guidelines, 2015. Collection method: clinical testing. Allele origin: germline. Affected: yes. Observed: 1 hemizygote.
Comment: Same nucleotide change resulting in same amino acid change has been previously reported multiple times as pathogenic/likely pathogenic with strong evidence (PMID:29706636, 25936994, 16813605, PS4). The variant was observed as assumed (i.e. paternity and maternity not confirmed) de novoo (3billion dataset, PM6). It is not observed in the gnomAD v2.1.1 dataset (PM2). In silico tool predictions suggest damaging effect of the variant on gene or gene product (REVEL: 0.904, 3Cnet: 0.770, PP3). Therefore, this variant is classified as pathogenic according to the recommendation of ACMG/AMP guideline.

Literature cited by the submitters: PubMed 16125058 (cited by Zero Childhood Cancer Program, Children's Cancer Institute and Labcorp Genetics (formerly Invitae), Labcorp); PubMed 25936994 (cited by 4 submitters); PubMed 16813605 (cited by Zero Childhood Cancer Program, Children's Cancer Institute and 3billion); PubMed 2970663 (cited by Zero Childhood Cancer Program, Children's Cancer Institute); PubMed 23820649 (cited by Victorian Clinical Genetics Services, Murdoch Childrens Research Institute); PubMed 24805811 (cited by Victorian Clinical Genetics Services, Murdoch Childrens Research Institute); PubMed 29706636 (cited by Victorian Clinical Genetics Services, Murdoch Childrens Research Institute and 3billion).